The following is an entry in ClinVar:

NM_001243925.2(MAPKAPK3):c.250_251delinsAG (p.Glu84Arg)

Gene: MAPKAPK3 (MAPK activated protein kinase 3; plus strand). Cytogenetic location: 3p21.2.
Variant type: Indel.
Coding change: c.250_251delinsAG on transcript NM_001243925.2 (MANE Select); coding-DNA positions 250 to 251, GA replaced by AG.
Protein change: p.Glu84Arg; replaces glutamic acid 84 with arginine.
Molecular consequence: missense variant.
Genome position (GRCh38, 1-based): chr3:50,640,396-50,640,397, GA replaced by AG. VCF-style: chr3-50640396-GA-AG. GRCh37 (hg19) VCF-style: chr3-50677827-GA-AG.
Other names: c.250_251delinsAG, p.Glu84Arg (NM_001243926.2, NM_004635.5); short protein forms E84R.
Identifiers: ClinVar variation 3652982 (VCV003652982.2).

ClinVar aggregate classification (germline): Uncertain significance (1 of 4 stars; one submission).

Submission:

Labcorp Genetics (formerly Invitae), Labcorp
Classification: Uncertain significance. Last evaluated: 2024-05-10. Review status: criteria provided, single submitter. Criteria: Invitae Variant Classification Sherloc (09022015). Collection method: clinical testing. Allele origin: germline.
Comment: This sequence change replaces glutamic acid, which is acidic and polar, with arginine, which is basic and polar, at codon 84 of the MAPKAPK3 protein (p.Glu84Arg). Information on the frequency of this variant in the gnomAD database is not available, as this variant may be reported differently in the database. This variant has not been reported in the literature in individuals affected with MAPKAPK3-related conditions. An algorithm developed to predict the effect of missense changes on protein structure and function (PolyPhen-2) suggests that this variant is likely to be disruptive. In summary, the available evidence is currently insufficient to determine the role of this variant in disease. Therefore, it has been classified as a Variant of Uncertain Significance.